The following is an entry in ClinVar:

ClinVar aggregate classification (germline): Uncertain significance. Review status: criteria provided, multiple submitters, no conflicts (2 of 4 stars). 2 submissions from 2 submitters: Uncertain significance (2). Last evaluated 2025-11-01.

Submissions (2):

CeGaT Center for Human Genetics Tuebingen
Classification: Uncertain significance. Last evaluated: 2025-11-01. Review status: criteria provided, single submitter. Criteria: CeGaT Center For Human Genetics Tuebingen Variant Classification Criteria Version 2. Collection method: clinical testing. Allele origin: germline. Affected: yes. Observed: 1 variant allele.
Comment: CLCN4: PM2

Women's Health and Genetics/Laboratory Corporation of America, LabCorp
Classification: Uncertain significance. Last evaluated: 2023-05-03. Review status: criteria provided, single submitter. Criteria: LabCorp Variant Classification Summary - May 2015. Collection method: clinical testing. Allele origin: germline.
Comment: Variant summary: CLCN4 c.1318A>G (p.Thr440Ala) results in a non-conservative amino acid change in the encoded protein sequence. Three of five in-silico tools predict a damaging effect of the variant on protein function. The variant was absent in 182570 control chromosomes. The available data on variant occurrences in the general population are insufficient to allow any conclusion about variant significance. To our knowledge, no occurrence of c.1318A>G in individuals affected with Raynaud-Claes Syndrome and no experimental evidence demonstrating its impact on protein function have been reported. No clinical diagnostic laboratories have submitted clinical-significance assessments for this variant to ClinVar after 2014. Based on the evidence outlined above, the variant was classified as uncertain significance.

NM_001830.4(CLCN4):c.1318A>G (p.Thr440Ala)

Gene: CLCN4 (Cl-/H+ antiporter 4; plus strand). Cytogenetic location: Xp22.2.
Variant type: single nucleotide variant.
Coding change: c.1318A>G on transcript NM_001830.4 (MANE Select); coding-DNA position 1318, A replaced by G.
Protein change: p.Thr440Ala; replaces threonine 440 with alanine.
Molecular consequence: missense variant.
Genome position (GRCh38, 1-based): chrX:10,208,519, A>G. VCF-style: chrX-10208519-A-G. GRCh37 (hg19) VCF-style: chrX-10176559-A-G.
Other names: c.1036A>G, p.Thr346Ala (NM_001256944.2); short protein forms T346A, T440A.
Identifiers: ClinVar variation 2506269 (VCV002506269.7), dbSNP rs2518885611, ClinGen allele CA412038564.